The following is an entry in ClinVar:

ClinVar aggregate classification (germline): Likely benign. Review status: criteria provided, multiple submitters, no conflicts (2 of 4 stars). 2 submissions from 2 submitters: Likely benign (2). Last evaluated 2025-12-17.

Conditions:
Autosomal recessive limb-girdle muscular dystrophy type 2J (LGMDR10). Also called: Limb-girdle muscular dystrophy, type 2J; MUSCULAR DYSTROPHY, LIMB-GIRDLE, AUTOSOMAL RECESSIVE 10. Identifiers: Orphanet 140922, MedGen C1837342, MONDO:0012127, OMIM 608807.
Dilated cardiomyopathy 1G (CMD1G). Identifiers: Orphanet 154, MedGen C1858763, MONDO:0011400, OMIM 604145.

Allele frequency attached by ClinVar (database versions not stated): TOPMed below 0.00001; gnomAD exomes 0.00001.
gnomAD v4.1: 7 of 1,609,192 alleles (0.00044%); highest among the groups gnomAD compares: Non-Finnish European, 0.00059%; no homozygotes.

Submissions (2):

Labcorp Genetics (formerly Invitae), Labcorp
Classification: Likely benign for Dilated cardiomyopathy 1G; Autosomal recessive limb-girdle muscular dystrophy type 2J. Last evaluated: 2025-12-17. Review status: criteria provided, single submitter. Criteria: Invitae Variant Classification Sherloc (09022015). Collection method: clinical testing. Allele origin: germline.

CeGaT Center for Human Genetics Tuebingen
Classification: Likely benign. Last evaluated: 2023-02-01. Review status: criteria provided, single submitter. Criteria: CeGaT Center For Human Genetics Tuebingen Variant Classification Criteria Version 2. Collection method: clinical testing. Allele origin: germline. Affected: yes. Observed: 1 variant allele.
Comment: TTN: PM2:Supporting, BP4, BP7

NM_001267550.2(TTN):c.63774C>T (p.Phe21258=)

Genes: TTN (titin; minus strand), TTN-AS1 (TTN antisense RNA 1; plus strand). Cytogenetic location: 2q31.2.
Variant type: single nucleotide variant.
Coding change: c.63774C>T on transcript NM_001267550.2 (MANE Select); coding-DNA position 63774, C replaced by T.
Protein change: p.Phe21258=; no amino-acid change (phenylalanine 21258 retained).
Molecular consequence: synonymous variant.
Genome position (GRCh38, 1-based): chr2:178,587,535, G>A on the plus strand (C>T on the coding strand, the complement: TTN is on the minus strand). VCF-style: chr2-178587535-G-A. GRCh37 (hg19) VCF-style: chr2-179452262-G-A.
Other names: c.58851C>T, p.Phe19617= (NM_001256850.1); c.36579C>T, p.Phe12193= (NM_003319.4); c.56070C>T, p.Phe18690= (NM_133378.4); c.36954C>T, p.Phe12318= (NM_133432.3); c.37155C>T, p.Phe12385= (NM_133437.4).
Identifiers: ClinVar variation 2651620 (VCV002651620.27), dbSNP rs2049301507, ClinGen allele CA430264506.
Genomic context (GRCh38, chr2:178,587,535, plus strand): 5'-TCATTTTTGAAGTGGGAGGGAGAAGCATTTTAGTAACCCACCTAATACTCTGACATTTAC[G>A]AATACAGCCTTTTCTCCTGCTGGGTTCACAAGTGTTAAGGAATATTTTCCTGAGTCATCA-3'
Protein context (NP_001254479.2, residues 21248-21268): LVNPAGEKAV[Phe21258=]VNVRVLDTPG